The following is an entry in ClinVar:

NM_006059.4(LAMC3):c.3188A>G (p.Tyr1063Cys)

Gene: LAMC3 (laminin subunit gamma 3; plus strand). Cytogenetic location: 9q34.12.
Variant type: single nucleotide variant.
Coding change: c.3188A>G on transcript NM_006059.4 (MANE Select); coding-DNA position 3188, A replaced by G.
Protein change: p.Tyr1063Cys; replaces tyrosine 1063 with cysteine.
Molecular consequence: missense variant.
Genome position (GRCh38, 1-based): chr9:131,071,602, A>G. VCF-style: chr9-131071602-A-G. GRCh37 (hg19) VCF-style: chr9-133946989-A-G.
Other names: c.3188A>G (NM_006059.3); short protein forms Y1063C.
Identifiers: ClinVar variation 1442831 (VCV001442831.4), dbSNP rs752049449, ClinGen allele CA5287697.

ClinVar aggregate classification (germline): Uncertain significance. Review status: criteria provided, multiple submitters, no conflicts (2 of 4 stars). 2 submissions from 2 submitters: Uncertain significance (2). Last evaluated 2025-09-01.

Conditions:
Inborn genetic diseases. Identifiers: MedGen C0950123, MeSH D030342.

Allele frequency attached by ClinVar (database versions not stated): gnomAD 0.00001; gnomAD exomes 0.00006 and 0.00012; TOPMed 0.00007; ExAC 0.00010.
gnomAD v4.1: 38 of 1,597,504 alleles (0.0024%); highest among the groups gnomAD compares: Admixed American, 0.062%; 1 homozygote.

Submissions (2):

Ambry Genetics
Classification: Uncertain significance for Inborn genetic diseases. Last evaluated: 2025-09-01. Review status: criteria provided, single submitter. Criteria: Ambry Variant Classification Scheme 2023. Collection method: clinical testing. Allele origin: germline.

Labcorp Genetics (formerly Invitae), Labcorp
Classification: Uncertain significance. Last evaluated: 2022-09-07. Review status: criteria provided, single submitter. Criteria: Invitae Variant Classification Sherloc (09022015). Collection method: clinical testing. Allele origin: germline.
Comment: This sequence change replaces tyrosine, which is neutral and polar, with cysteine, which is neutral and slightly polar, at codon 1063 of the LAMC3 protein (p.Tyr1063Cys). This variant is present in population databases (rs752049449, gnomAD 0.08%), including at least one homozygous and/or hemizygous individual. This variant has not been reported in the literature in individuals affected with LAMC3-related conditions. ClinVar contains an entry for this variant (Variation ID: 1442831). Algorithms developed to predict the effect of missense changes on protein structure and function are either unavailable or do not agree on the potential impact of this missense change (SIFT: "Tolerated"; PolyPhen-2: "Possibly Damaging"; Align-GVGD: "Class C0"). In summary, the available evidence is currently insufficient to determine the role of this variant in disease. Therefore, it has been classified as a Variant of Uncertain Significance.